The following is an entry in ClinVar:

NM_006421.5(ARFGEF1):c.5194C>T (p.Arg1732Cys)

Gene: ARFGEF1 (ARF guanine nucleotide exchange factor 1; minus strand). Cytogenetic location: 8q13.2.
Variant type: single nucleotide variant.
Coding change: c.5194C>T on transcript NM_006421.5 (MANE Select); coding-DNA position 5194, C replaced by T.
Protein change: p.Arg1732Cys; replaces arginine 1732 with cysteine.
Molecular consequence: missense variant.
Genome position (GRCh38, 1-based): chr8:67,201,540, G>A on the plus strand (C>T on the coding strand, the complement: ARFGEF1 is on the minus strand). VCF-style: chr8-67201540-G-A. GRCh37 (hg19) VCF-style: chr8-68113775-G-A.
Other names: short protein forms R1732C.
Identifiers: ClinVar variation 1699469 (VCV001699469.4), dbSNP rs1563832518, ClinGen allele CA371208777.

ClinVar aggregate classification (germline): Uncertain significance. Review status: criteria provided, multiple submitters, no conflicts (2 of 4 stars). 2 submissions from 2 submitters: Uncertain significance (2). Last evaluated 2026-09-05.

Conditions:
Neurodevelopmental disorder. Identifiers: MedGen C1535926, MeSH D065886, MONDO:0700092.
ARFGEF1-related disorder. Also called: ARFGEF1-related condition.

Allele frequency attached by ClinVar (database versions not stated): gnomAD exomes below 0.00001.

Submissions (2):

PreventionGenetics, part of Exact Sciences
Classification: Uncertain significance for ARFGEF1-related condition. Last evaluated: 2026-09-05. Review status: criteria provided, single submitter. Criteria: ACMG Guidelines, 2015. Collection method: clinical testing. Allele origin: germline.
Comment: The ARFGEF1 c.5194C>T variant is predicted to result in the amino acid substitution p.Arg1732Cys. To our knowledge, this variant has not been reported in the literature or in a large population database (gnomAD), indicating this variant is rare. At this time, the clinical significance of this variant is uncertain due to the absence of conclusive functional and genetic evidence.

Victorian Clinical Genetics Services, Murdoch Childrens Research Institute
Classification: Uncertain significance for Neurodevelopmental disorder. Last evaluated: 2022-06-24. Review status: criteria provided, single submitter. Criteria: ACMG Guidelines, 2015. Collection method: clinical testing. Allele origin: germline. Inheritance: Autosomal dominant inheritance. Affected: yes.
Comment: Based on the classification scheme VCGS_Germline_v1.3.4, this variant is classified as VUS-3B. Following criteria are met: 0102 - Loss of function is a known mechanism of disease in this gene and is associated with neurodevelopmental disorder, ARFGEF1-related (MONDO#0700092). (I) 0107 - This gene is associated with autosomal dominant disease. (I) 0115 - Variants in this gene are known to have variable expressivity (PMID: 34113008). (I) 0200 - Variant is predicted to result in a missense amino acid change from arginine to cysteine. (I) 0251 - This variant is heterozygous. (I) 0301 - Variant is absent from gnomAD (both v2 and v3). (SP) 0501 - Missense variant consistently predicted to be damaging by multiple in silico tools or highly conserved with a major amino acid change. (SP) 0600 - Variant is located in the annotated BIG2 C-terminal domain. (I) 0705 - No comparable missense variants have previous evidence for pathogenicity. (I) 0807 - This variant has no previous evidence of pathogenicity. (I) 0905 - No published segregation evidence has been identified for this variant. (I) 1007 - No published functional evidence has been identified for this variant. (I) 1208 - Inheritance information for this variant is not currently available in this individual. (I) Legend: (SP) - Supporting pathogenic, (I) - Information, (SB) - Supporting benign

Literature cited by the submitters: PubMed 34113008 (cited by Victorian Clinical Genetics Services, Murdoch Childrens Research Institute).